The following is an entry in ClinVar:

ClinVar aggregate classification (germline): Uncertain significance (1 of 4 stars; one submission).

Conditions:
Developmental and epileptic encephalopathy 94 (DEE94). Also called: CHD2-Related Neurodevelopmental Disorders; Epileptic encephalopathy, childhood-onset. Identifiers: Orphanet 1942, Orphanet 2382, MedGen C3809278, MONDO:0014150, OMIM 615369.

Allele frequency attached by ClinVar (database versions not stated): gnomAD exomes 0.00001 and 0.00002; TOPMed 0.00001.
gnomAD v4.1: 18 of 1,613,916 alleles (0.0011%); highest among the groups gnomAD compares: African/African-American, 0.004%; no homozygotes.

Submission:

Labcorp Genetics (formerly Invitae), Labcorp
Classification: Uncertain significance for Developmental and epileptic encephalopathy 94. Last evaluated: 2024-10-22. Review status: criteria provided, single submitter. Criteria: Invitae Variant Classification Sherloc (09022015). Collection method: clinical testing. Allele origin: germline.
Comment: This sequence change replaces arginine, which is basic and polar, with histidine, which is basic and polar, at codon 190 of the CHD2 protein (p.Arg190His). This variant is present in population databases (no rsID available, gnomAD 0.01%). This variant has not been reported in the literature in individuals affected with CHD2-related conditions. ClinVar contains an entry for this variant (Variation ID: 1511497). Invitae Evidence Modeling of protein sequence and biophysical properties (such as structural, functional, and spatial information, amino acid conservation, physicochemical variation, residue mobility, and thermodynamic stability) indicates that this missense variant is not expected to disrupt CHD2 protein function with a negative predictive value of 95%. In summary, the available evidence is currently insufficient to determine the role of this variant in disease. Therefore, it has been classified as a Variant of Uncertain Significance.

NM_001271.4(CHD2):c.569G>A (p.Arg190His)

Gene: CHD2 (chromodomain helicase DNA binding protein 2; plus strand). Cytogenetic location: 15q26.1.
Variant type: single nucleotide variant.
Coding change: c.569G>A on transcript NM_001271.4 (MANE Select); coding-DNA position 569, G replaced by A.
Protein change: p.Arg190His; replaces arginine 190 with histidine.
Molecular consequence: missense variant.
Genome position (GRCh38, 1-based): chr15:92,939,595, G>A. VCF-style: chr15-92939595-G-A. GRCh37 (hg19) VCF-style: chr15-93482825-G-A.
Other names: c.569G>A, p.Arg190His (NM_001042572.3); short protein forms R190H.
Identifiers: ClinVar variation 1511497 (VCV001511497.6), dbSNP rs776934265, ClinGen allele CA393900007.